The following is an entry in ClinVar:

NM_004369.4(COL6A3):c.8290T>G (p.Cys2764Gly)

Gene: COL6A3 (collagen type VI alpha 3 chain; minus strand). Cytogenetic location: 2q37.3.
Variant type: single nucleotide variant.
Coding change: c.8290T>G on transcript NM_004369.4 (MANE Select); coding-DNA position 8290, T replaced by G.
Protein change: p.Cys2764Gly; replaces cysteine 2764 with glycine.
Molecular consequence: missense variant.
Genome position (GRCh38, 1-based): chr2:237,340,626, A>C on the plus strand (T>G on the coding strand, the complement: COL6A3 is on the minus strand). VCF-style: chr2-237340626-A-C. GRCh37 (hg19) VCF-style: chr2-238249269-A-C.
Other names: c.6469T>G, p.Cys2157Gly (NM_057166.5); c.7672T>G, p.Cys2558Gly (NM_057167.4); short protein forms C2157G, C2764G, C2558G.
Identifiers: ClinVar variation 846388 (VCV000846388.10), dbSNP rs779036168, ClinGen allele CA2187581.

ClinVar aggregate classification (germline): Uncertain significance (1 of 4 stars; one submission).

Conditions:
Bethlem myopathy 1A. Also called: MYOPATHY, BENIGN CONGENITAL, WITH CONTRACTURES; Bethlem Muscular Dystrophy; Bethlem myopathy 1. Identifiers: Orphanet 610, MedGen CN029274, MONDO:0024530, OMIM 158810.

Allele frequency attached by ClinVar (database versions not stated): gnomAD exomes 0.00001; ExAC 0.00001.
gnomAD v4.1: 2 of 1,614,158 alleles (0.00012%); highest among the groups gnomAD compares: Admixed American, 0.0033%; no homozygotes.

Submission:

Labcorp Genetics (formerly Invitae), Labcorp
Classification: Uncertain significance for Bethlem myopathy 1A. Last evaluated: 2019-01-15. Review status: criteria provided, single submitter. Criteria: Invitae Variant Classification Sherloc (09022015). Collection method: clinical testing. Allele origin: germline.
Comment: This sequence change replaces cysteine with glycine at codon 2764 of the COL6A3 protein (p.Cys2764Gly). The cysteine residue is highly conserved and there is a large physicochemical difference between cysteine and glycine. This variant is present in population databases (rs779036168, ExAC 0.009%). This variant has not been reported in the literature in individuals with COL6A3-related disease. In summary, the available evidence is currently insufficient to determine the role of this variant in disease. Therefore, it has been classified as a Variant of Uncertain Significance.